The following is an entry in ClinVar:

ClinVar aggregate classification (germline): Uncertain significance (1 of 4 stars; one submission).

Submission:

Labcorp Genetics (formerly Invitae), Labcorp
Classification: Uncertain significance. Last evaluated: 2025-06-20. Review status: criteria provided, single submitter. Criteria: Invitae Variant Classification Sherloc (09022015). Collection method: clinical testing. Allele origin: germline.
Comment: This sequence change replaces aspartic acid, which is acidic and polar, with glutamic acid, which is acidic and polar, at codon 86 of the LZTR1 protein (p.Asp86Glu). This variant is not present in population databases (gnomAD no frequency). This variant has not been reported in the literature in individuals affected with LZTR1-related conditions. Invitae Evidence Modeling of protein sequence and biophysical properties (such as structural, functional, and spatial information, amino acid conservation, physicochemical variation, residue mobility, and thermodynamic stability) indicates that this missense variant is not expected to disrupt LZTR1 protein function with a negative predictive value of 80%. In summary, the available evidence is currently insufficient to determine the role of this variant in disease. Therefore, it has been classified as a Variant of Uncertain Significance.

NM_006767.4(LZTR1):c.258C>A (p.Asp86Glu)

Gene: LZTR1 (leucine zipper like post translational regulator 1; plus strand). Cytogenetic location: 22q11.21.
Variant type: single nucleotide variant.
Coding change: c.258C>A on transcript NM_006767.4 (MANE Select); coding-DNA position 258, C replaced by A.
Protein change: p.Asp86Glu; replaces aspartic acid 86 with glutamic acid.
Molecular consequence: missense variant.
Genome position (GRCh38, 1-based): chr22:20,983,084, C>A. VCF-style: chr22-20983084-C-A. GRCh37 (hg19) VCF-style: chr22-21337373-C-A.
Other names: short protein forms D86E.
Identifiers: ClinVar variation 4743202 (VCV004743202.1).